The following is an entry in ClinVar:

NM_173598.6(KSR2):c.1584G>A (p.Thr528=)

Gene: KSR2 (kinase suppressor of ras 2; minus strand). Cytogenetic location: 12q24.22.
Variant type: single nucleotide variant.
Coding change: c.1584G>A on transcript NM_173598.6 (MANE Select); coding-DNA position 1584, G replaced by A.
Protein change: p.Thr528=; no amino-acid change (threonine 528 retained).
Molecular consequence: synonymous variant.
Genome position (GRCh38, 1-based): chr12:117,539,822, C>T on the plus strand (G>A on the coding strand, the complement: KSR2 is on the minus strand). VCF-style: chr12-117539822-C-T. GRCh37 (hg19) VCF-style: chr12-117977627-C-T.
Identifiers: ClinVar variation 3041651 (VCV003041651.2), dbSNP rs753143776, ClinGen allele CA6815987.

ClinVar aggregate classification (germline): Likely benign (0 of 4 stars; one submission).

Conditions:
KSR2-related disorder. Also called: KSR2-related condition.

Allele frequency attached by ClinVar (database versions not stated): ExAC 0.00004; gnomAD 0.00005.
gnomAD v4.1: 36 of 1,609,984 alleles (0.0022%); highest among the groups gnomAD compares: East Asian, 0.02%; no homozygotes.

Submission:

PreventionGenetics, part of Exact Sciences
Classification: Likely benign for KSR2-related condition. Last evaluated: 2021-04-07. Review status: no assertion criteria provided. Collection method: clinical testing. Allele origin: germline.
Comment: This variant is classified as likely benign based on ACMG/AMP sequence variant interpretation guidelines (Richards et al. 2015 PMID: 25741868, with internal and published modifications).